The following is an entry in ClinVar:

NM_000432.4(MYL2):c.354-7del

Gene: MYL2 (myosin light chain 2; minus strand). Cytogenetic location: 12q24.11.
Variant type: Deletion.
Coding change: c.354-7del on transcript NM_000432.4 (MANE Select); 7 bases into the intron before coding-DNA position 354, one base deleted (T; older notation c.354-7delT).
Molecular consequence: intron variant.
Genome position (GRCh38, 1-based): chr12:110,913,151, A deleted on the plus strand (T on the coding strand, the reverse complement: MYL2 is on the minus strand). VCF-style (leftmost placement, unchanged base first): chr12-110913150-GA-G. GRCh37 (hg19) VCF-style: chr12-111350954-GA-G.
Other names: c.297-7del (NM_001406916.1); c.312-7del (NM_001406745.1).
Identifiers: ClinVar variation 3071872 (VCV003071872.2), dbSNP rs2499808314, ClinGen allele CA2825002052.

ClinVar aggregate classification (germline): Likely benign. Review status: criteria provided, multiple submitters, no conflicts (2 of 4 stars). 2 submissions from 2 submitters: Likely benign (2). Last evaluated 2025-12-08.

Conditions:
Hypertrophic cardiomyopathy 10. Also called: MYL2-Related Familial Hypertrophic Cardiomyopathy; CARDIOMYOPATHY, HYPERTROPHIC, MID-LEFT VENTRICULAR CHAMBER TYPE, 2. Identifiers: MedGen C1834460, MONDO:0012112, OMIM 608758.
Hypertrophic cardiomyopathy. Also called: HYPERTROPHIC MYOCARDIOPATHY. Identifiers: Orphanet 217569, MedGen C0007194, MeSH D002312, MONDO:0005045, HP:0001639.

Submissions (2):

Labcorp Genetics (formerly Invitae), Labcorp
Classification: Likely benign for Hypertrophic cardiomyopathy 10. Last evaluated: 2025-12-08. Review status: criteria provided, single submitter. Criteria: Invitae Variant Classification Sherloc (09022015). Collection method: clinical testing. Allele origin: germline.

All of Us Research Program, National Institutes of Health
Classification: Likely benign for Hypertrophic cardiomyopathy. Last evaluated: 2023-06-26. Review status: criteria provided, single submitter. Criteria: ACMG Guidelines, 2015. Collection method: clinical testing. Allele origin: germline. Inheritance: Autosomal dominant inheritance. Observed: 1 variant allele, 1 heterozygote.
Comment: This study involves interpretation of variants in research participants for the purpose of population health screening. Participant phenotype was not available at the time of variant classification. Additional details can be found in publication PMID: 35346344, PMCID: PMC8962531